The following is an entry in ClinVar:

NM_004304.5(ALK):c.2457A>G (p.Gly819=)

Gene: ALK (ALK receptor tyrosine kinase; minus strand). Cytogenetic location: 2p23.2.
Variant type: single nucleotide variant.
Coding change: c.2457A>G on transcript NM_004304.5 (MANE Select); coding-DNA position 2457, A replaced by G.
Protein change: p.Gly819=; no amino-acid change (glycine 819 retained).
Molecular consequence: synonymous variant.
Genome position (GRCh38, 1-based): chr2:29,233,595, T>C on the plus strand (A>G on the coding strand, the complement: ALK is on the minus strand). VCF-style: chr2-29233595-T-C. GRCh37 (hg19) VCF-style: chr2-29456461-T-C.
Identifiers: ClinVar variation 703442 (VCV000703442.36), dbSNP rs147842434, ClinGen allele CA1594307.

ClinVar aggregate classification (germline): Likely benign. Review status: criteria provided, multiple submitters, no conflicts (2 of 4 stars). 3 submissions from 3 submitters: Likely benign (3). Last evaluated 2024-12-12.

Conditions:
Hereditary cancer-predisposing syndrome. Also called: Neoplastic Syndromes, Hereditary; Tumor predisposition; Hereditary Cancer Syndrome; Hereditary neoplastic syndrome. Identifiers: Orphanet 140162, MedGen C0027672, MeSH D009386, MONDO:0015356.
Neuroblastoma, susceptibility to, 3. Also called: ALK-Related Neuroblastic Tumor Susceptibility. Identifiers: Orphanet 635, MedGen C2751681, MONDO:0013083, OMIM 613014.

Allele frequency attached by ClinVar (database versions not stated): gnomAD exomes below 0.00001 and 0.00001; ExAC 0.00001; gnomAD 0.00001; ESP Exome Variant Server 0.00008.
gnomAD v4.1: 8 of 1,614,040 alleles (0.0005%); highest among the groups gnomAD compares: Non-Finnish European, 0.00059%; no homozygotes.

Submissions (3):

Labcorp Genetics (formerly Invitae), Labcorp
Classification: Likely benign for Neuroblastoma, susceptibility to, 3. Last evaluated: 2024-12-12. Review status: criteria provided, single submitter. Criteria: Invitae Variant Classification Sherloc (09022015). Collection method: clinical testing. Allele origin: germline.

CeGaT Center for Human Genetics Tuebingen
Classification: Likely benign. Last evaluated: 2024-02-01. Review status: criteria provided, single submitter. Criteria: CeGaT Center For Human Genetics Tuebingen Variant Classification Criteria Version 2. Collection method: clinical testing. Allele origin: germline. Affected: yes. Observed: 1 variant allele.
Comment: ALK: BP4, BP7

Ambry Genetics
Classification: Likely benign for Hereditary cancer-predisposing syndrome. Last evaluated: 2022-04-22. Review status: criteria provided, single submitter. Criteria: Ambry Variant Classification Scheme 2023. Collection method: clinical testing. Allele origin: germline.